The following is an entry in ClinVar:

NM_004304.5(ALK):c.404_418del (p.Leu135_Lys139del)

Gene: ALK (ALK receptor tyrosine kinase; minus strand). Cytogenetic location: 2p23.1.
Variant type: Deletion.
Coding change: c.404_418del on transcript NM_004304.5 (MANE Select); coding-DNA positions 404 to 418, 15 bases deleted (TCCGGCGTGCCAAGC).
Protein change: p.Leu135_Lys139del.
Molecular consequence: inframe deletion.
Genome position (GRCh38, 1-based): chr2:29,920,242-29,920,256, GCTTGGCACGCCGGA deleted on the plus strand (TCCGGCGTGCCAAGC on the coding strand, the reverse complement: ALK is on the minus strand); deleting any 15 consecutive bases within chr2:29,920,242-29,920,261 gives the same sequence; the c. name uses the placement nearest the transcript's 3' end. VCF-style (leftmost placement, unchanged base first): chr2-29920241-TGCTTGGCACGCCGGA-T. GRCh37 (hg19) VCF-style: chr2-30143107-TGCTTGGCACGCCGGA-T.
Identifiers: ClinVar variation 3623649 (VCV003623649.2).

ClinVar aggregate classification (germline): Uncertain significance (1 of 4 stars; one submission).

Conditions:
Neuroblastoma, susceptibility to, 3. Also called: ALK-Related Neuroblastic Tumor Susceptibility. Identifiers: Orphanet 635, MedGen C2751681, MONDO:0013083, OMIM 613014.

Submission:

Labcorp Genetics (formerly Invitae), Labcorp
Classification: Uncertain significance for Neuroblastoma, susceptibility to, 3. Last evaluated: 2024-06-04. Review status: criteria provided, single submitter. Criteria: Invitae Variant Classification Sherloc (09022015). Collection method: clinical testing. Allele origin: germline.
Comment: This variant, c.404_418del, results in the deletion of 5 amino acid(s) of the ALK protein (p.Leu135_Lys139del), but otherwise preserves the integrity of the reading frame. This variant is not present in population databases (gnomAD no frequency). This variant has not been reported in the literature in individuals affected with ALK-related conditions. Experimental studies and prediction algorithms are not available or were not evaluated, and the functional significance of this variant is currently unknown. In summary, the available evidence is currently insufficient to determine the role of this variant in disease. Therefore, it has been classified as a Variant of Uncertain Significance.